The following is an entry in ClinVar:

ClinVar aggregate classification (germline): Conflicting classifications of pathogenicity. Review status: criteria provided, conflicting classifications (1 of 4 stars). 11 submissions from 11 submitters: Pathogenic (1); Likely pathogenic (9); Uncertain significance (1). Last evaluated 2026-07-01.

Conditions:
Glycogen storage disease, type II (IOPD). Also called: CARDIOMEGALIA GLYCOGENICA DIFFUSA; GLYCOGENOSIS, GENERALIZED, CARDIAC FORM; GSD II; Pompe Disease; Glucosidase acid-1,4-alpha deficiency; POMPE DISEASE, INFANTILE-ONSET. Identifiers: Orphanet 365, MedGen C0017921, MONDO:0009290, OMIM 232300.
GAA-related disorders.

Allele frequency attached by ClinVar (database versions not stated): TOPMed 0.00005; gnomAD 0.00006; ESP Exome Variant Server 0.00015; 1000 Genomes Project 0.00020; 1000 Genomes Project 30x 0.00031.
gnomAD v4.1: 27 of 1,612,868 alleles (0.0017%); highest among the groups gnomAD compares: African/African-American, 0.017%; no homozygotes.

Submissions (11):

Genomenon, Inc
Classification: Uncertain significance for Glycogen storage disease, type II. Last evaluated: 2026-07-01. Review status: criteria provided, single submitter. Criteria: Genomenon Sequence Variant Interpretation Standards - Updated. Collection method: curation. Allele origin: germline. Affected: yes.
Comment: GAA p.Arg375His (c.1124G>A) is a missense variant that changes the amino acid at codon 375 from Arginine to Histidine. This variant has been observed in at least one proband with a GAA-related disorder in the compound heterozygous and/or homozygous state (PMID:33202836;21484825;21757382). It is absent or not present at a significant frequency in gnomAD. In silico models predict that this variant is possibly or probably damaging. In conclusion, we classify GAA p.Arg375His (c.1124G>A) as a variant of uncertain significance.

Labcorp Genetics (formerly Invitae), Labcorp
Classification: Pathogenic for Glycogen storage disease, type II. Last evaluated: 2026-01-14. Review status: criteria provided, single submitter. Criteria: Invitae Variant Classification Sherloc (09022015). Collection method: clinical testing. Allele origin: germline.
Comment: This sequence change replaces arginine, which is basic and polar, with histidine, which is basic and polar, at codon 375 of the GAA protein (p.Arg375His). This variant is present in population databases (rs142752477, gnomAD 0.02%). This missense change has been observed in individual(s) with Pompe disease (PMID: 21484825, 21757382; internal data). In at least one individual the data is consistent with being in trans (on the opposite chromosome) from a pathogenic variant. ClinVar contains an entry for this variant (Variation ID: 572725). Invitae Evidence Modeling of protein sequence and biophysical properties (such as structural, functional, and spatial information, amino acid conservation, physicochemical variation, residue mobility, and thermodynamic stability) indicates that this missense variant is expected to disrupt GAA protein function with a positive predictive value of 95%. This variant disrupts the p.Arg375 amino acid residue in GAA. Other variant(s) that disrupt this residue have been determined to be pathogenic (PMID: 18429042, 22990675, 24158270, 29422078). This suggests that this residue is clinically significant, and that variants that disrupt this residue are likely to be disease-causing. For these reasons, this variant has been classified as Pathogenic.

Natera, Inc.
Classification: Likely pathogenic for Glycogen storage disease type II. Last evaluated: 2025-10-31. Review status: criteria provided, single submitter. Criteria: Natera Variant Classification Schema (03/2026). Collection method: clinical testing. Allele origin: germline.
Comment: The c.1124G>A variant in GAA is a missense variant predicted to cause substitution of arginine to histidine at amino acid 375. This variant is rare in the general population with a frequency below the threshold expected for the associated phenotype(s). This variant has been observed in one or more individuals affected with the associated recessive disease, as either homozygous or compound heterozygous with a second variant (PMID: 33202836). A different variant at the same position has been determined to be Pathogenic or Likely Pathogenic. Computational prediction algorithms indicate this variant is likely to affect gene or protein function. Given the available evidence, this variant is classified as Likely Pathogenic.

Broad Center for Mendelian Genomics, Broad Institute of MIT and Harvard
Classification: Likely pathogenic for Glycogen storage disease, type II. Last evaluated: 2025-10-01. Review status: criteria provided, single submitter. Criteria: ACMG Guidelines, 2015. Collection method: curation. Allele origin: germline. Inheritance: Autosomal recessive inheritance.
Comment: he p.Arg375His variant in GAA has been reported in three individuals with glycogen storage disease II (PMID: 21757382, 21484825, 33202836), and has been reported in 0.02% (13/75040) of African/African American chromosomes by the Genome Aggregation Database (gnomAD; dbSNP rs142752477). Although this variant has been seen in the general population, its frequency is low enough to be consistent with a recessive carrier frequency. This variant has also been reported in ClinVar as a pathogenic/likely pathogenic by multiple submitters (VCV000572725.30). Of the 3 affected individuals, 1 was a compound heterozygote that carried a reported pathogenic variant with unknown phase and 2 were compound heterozygotes that carried a variant of uncertain significance in trans, which increases the likelihood that the p.Arg375His variant is pathogenic (VCV000092472.20, VCV000188480.27; PMID: 21757382, 21484825, 33202836). Computational prediction tools and conservation analyses suggest that this variant may impact the protein, though this information is not predictive enough to determine pathogenicity. One additional likely pathogenic variant, resulting in a different amino acid change at the same position, p.Arg375Leu, has been reported in association with the disease in the literature and ClinVar (PMID: 25103075, 18429042, 18429042; VariationID: 283230). The phenotype of an individual heterozygous for this variant is highly specific for Glycogen Storage Disease II based on low GAA activity in fibroblast cells (PMID: 21757382). In summary, although additional studies are required to fully establish its clinical significance, this variant is likely pathogenic for autosomal recessive glycogen storage disease II. ACMG/AMP Criteria applied: PM5_supporting, PM2_supporting, PP3_moderate, PP4_moderate, PM3 (Richards 2015).

Variantyx, Inc.
Classification: Likely pathogenic for Glycogen storage disease, type II. Last evaluated: 2025-09-10. Review status: criteria provided, single submitter. Criteria: Variantyx Assertion Criteria 2022. Collection method: clinical testing. Allele origin: germline. Inheritance: Autosomal recessive inheritance. Affected: yes.
Comment: This is a nonsynonymous variant in the GAA gene (OMIM: 606800). Pathogenic variants in this gene have been associated with autosomal recessive glycogen storage disease II or Pompe disease. The clinical symptoms reported in affected individuals reported in the published literature are highly specific for autosomal recessive glycogen storage disease II, which has a limited genetic etiology (PP4_Moderate). This variant has been identified in the compound heterozygous state in at least two individuals reported in the published literature affected with late-onset Pompe disease (PMID: 21757382, 33202836). In one affected individual, this variant was identified in cis with two pseudodeficiency alleles (PMID: 21484825). Alternate amino acid changes at this codon (p.Arg375Leu, p.Arg375Ser) have been previously reported in similarly affected individuals, which suggests that this residue is biologically important (PM5_Supporting), and multiple computational algorithms predict a deleterious effect for this variant (REVEL score: 0.939) (PP3). The maximum allele frequency in non-founder control populations is 0.0173% (PM2_Moderate). Based on the current evidence, this variant is classified as likely pathogenic for autosomal recessive glycogen storage disease II.

Revvity Omics, Revvity
Classification: Likely pathogenic. Last evaluated: 2025-03-31. Review status: criteria provided, single submitter. Criteria: ACMG Guidelines, 2015. Collection method: clinical testing. Allele origin: germline.

GeneDx
Classification: Likely pathogenic. Last evaluated: 2025-01-17. Review status: criteria provided, single submitter. Criteria: GeneDx Variant Classification Process June 2021. Collection method: clinical testing. Allele origin: germline. Affected: yes.
Comment: Previously reported in association with late-onset GSDII (PMID: 21757382, 33202836, 21484825); Enzyme activity analysis confirmed a patient harboring p.(R375H) and an additional GAA variant had less than 1% GAA enzyme activity (PMID: 21484825); In silico analysis supports that this missense variant has a deleterious effect on protein structure/function; Located in the critical Catalytic (/)8 Barrel Domain (PMID: 19343043, 22253258); This variant is associated with the following publications: (PMID: 30275481, 33202836, 21757382, 21484825, 19343043, 22253258)

Mayo Clinic Laboratories, Mayo Clinic
Classification: Likely pathogenic. Last evaluated: 2024-11-05. Review status: criteria provided, single submitter. Criteria: ACMG Guidelines, 2015. Collection method: clinical testing. Allele origin: germline. Observed: 2 variant alleles.
Comment: PP3, PP4_moderate, PM2_supporting, PM3_supporting, PM5

Blueprint Genetics
Classification: Likely pathogenic for GAA-related disorders. Last evaluated: 2024-05-22. Review status: criteria provided, single submitter. Criteria: ACMG Guidelines, 2015. Collection method: clinical testing. Allele origin: germline. Affected: yes. Observed: 1 variant allele.

Fulgent Genetics
Classification: Likely pathogenic for Glycogen storage disease, type II. Last evaluated: 2024-04-25. Review status: criteria provided, single submitter. Criteria: ACMG Guidelines, 2015. Collection method: clinical testing. Allele origin: germline.

Genome-Nilou Lab
Classification: Likely pathogenic for Glycogen storage disease, type II. Last evaluated: 2021-07-22. Review status: criteria provided, single submitter. Criteria: ACMG Guidelines, 2015. Collection method: clinical testing. Allele origin: germline. Affected: no.

Literature cited by the submitters: PubMed 33202836 (cited by 4 submitters); PubMed 21484825 (cited by 4 submitters); PubMed 21757382 (cited by 4 submitters); PubMed 18429042 (cited by Labcorp Genetics (formerly Invitae), Labcorp); PubMed 22990675 (cited by Labcorp Genetics (formerly Invitae), Labcorp); PubMed 24158270 (cited by Labcorp Genetics (formerly Invitae), Labcorp); PubMed 29422078 (cited by Labcorp Genetics (formerly Invitae), Labcorp).

NM_000152.5(GAA):c.1124G>A (p.Arg375His)

Gene: GAA (alpha glucosidase; plus strand). Cytogenetic location: 17q25.3.
Variant type: single nucleotide variant.
Coding change: c.1124G>A on transcript NM_000152.5 (MANE Select); coding-DNA position 1124, G replaced by A.
Protein change: p.Arg375His; replaces arginine 375 with histidine.
Molecular consequence: missense variant.
Genome position (GRCh38, 1-based): chr17:80,108,537, G>A. VCF-style: chr17-80108537-G-A. GRCh37 (hg19) VCF-style: chr17-78082336-G-A.
Other names: c.1124G>A (LRG_673t1); c.1124G>A, p.Arg375His (NM_001079803.3, NM_001079804.3); short protein forms R375H.
Identifiers: ClinVar variation 572725 (VCV000572725.38), dbSNP rs142752477, ClinGen allele CA8815177.
Genomic context (GRCh38, chr17:80,108,537, plus strand): 5'-GTTGGCCTGCAGGATACCCGTTCATGCCGCCATACTGGGGCCTGGGCTTCCACCTGTGCC[G>A]CTGGGGCTACTCCTCCACCGCTATCACCCGCCAGGTGGTGGAGAACATGACCAGGGCCCA-3'
Protein context (NP_000143.2, residues 365-385): PYWGLGFHLC[Arg375His]WGYSSTAITR